The following is an entry in ClinVar:

NM_020708.5(SLC12A5):c.3110+1G>A

Gene: SLC12A5 (solute carrier family 12 member 5; plus strand). Cytogenetic location: 20q13.12.
Variant type: single nucleotide variant.
Coding change: c.3110+1G>A on transcript NM_020708.5 (MANE Select); the canonical splice donor site of the intron after coding-DNA position 3110, G replaced by A.
Molecular consequence: splice donor variant.
Genome position (GRCh38, 1-based): chr20:46,056,565, G>A. VCF-style: chr20-46056565-G-A. GRCh37 (hg19) VCF-style: chr20-44685204-G-A.
Other names: c.3179+1G>A (NM_001134771.2).
Identifiers: ClinVar variation 2417183 (VCV002417183.9), dbSNP rs2084696977, ClinGen allele CA409208359.

ClinVar aggregate classification (germline): Likely pathogenic (1 of 4 stars; one submission).

Conditions:
Developmental and epileptic encephalopathy, 34 (DEE34). Also called: SLC12A5-Related Epilepsy of Infancy with Migrating Focal Seizures; Early infantile epileptic encephalopathy 34. Identifiers: Orphanet 293181, MedGen C4225257, MONDO:0014718, OMIM 616645.

Submission:

Labcorp Genetics (formerly Invitae), Labcorp
Classification: Likely pathogenic for Developmental and epileptic encephalopathy, 34. Last evaluated: 2022-02-20. Review status: criteria provided, single submitter. Criteria: Invitae Variant Classification Sherloc (09022015). Collection method: clinical testing. Allele origin: germline.
Comment: In summary, the currently available evidence indicates that the variant is pathogenic, but additional data are needed to prove that conclusively. Therefore, this variant has been classified as Likely Pathogenic. Algorithms developed to predict the effect of sequence changes on RNA splicing suggest that this variant may disrupt the consensus splice site. This variant has not been reported in the literature in individuals affected with SLC12A5-related conditions. This variant is not present in population databases (gnomAD no frequency). This sequence change affects a donor splice site in intron 23 of the SLC12A5 gene. It is expected to disrupt RNA splicing. Variants that disrupt the donor or acceptor splice site typically lead to a loss of protein function (PMID: 16199547), and loss-of-function variants in SLC12A5 are known to be pathogenic (PMID: 26333769, 27436767).

Literature cited by the submitters: PubMed 16199547; PubMed 26333769; PubMed 27436767.